The following is an entry in ClinVar:

NM_005236.3(ERCC4):c.*484G>T

Gene: ERCC4 (ERCC excision repair 4, endonuclease catalytic subunit; plus strand). Cytogenetic location: 16p13.12.
Variant type: single nucleotide variant.
Coding change: c.*484G>T on transcript NM_005236.3 (MANE Select); 484 bases downstream of the stop codon, G replaced by T.
Molecular consequence: 3 prime UTR variant.
Genome position (GRCh38, 1-based): chr16:13,948,831, G>T. VCF-style: chr16-13948831-G-T. GRCh37 (hg19) VCF-style: chr16-14042688-G-T.
Identifiers: ClinVar variation 317830 (VCV000317830.6), dbSNP rs3743538, ClinGen allele CA10646967.
Genomic context (GRCh38, chr16:13,948,831, plus strand): 5'-GCAACATAAATAACAGTCTTAATTGCACTTATACCCATGTCCTGTGGCTCTCCAAATCTG[G>T]TCTTTGCTGTTGTGTCTGCTGGACGCTTGAACTGATGTTTGTGTAGGAAATCATGTTCTG-3'

ClinVar aggregate classification (germline): Benign. Review status: criteria provided, multiple submitters, no conflicts (2 of 4 stars). 2 submissions from 2 submitters: Benign (2). Last evaluated 2018-01-12.

Conditions:
Xeroderma pigmentosum, group F (XPF). Also called: XERODERMA PIGMENTOSUM, COMPLEMENTATION GROUP F; XERODERMA PIGMENTOSUM VI; XP, GROUP F; ERCC4-Related Xeroderma Pigmentosum; XERODERMA PIGMENTOSUM, TYPE F; Xeroderma pigmentosum, type 6. Identifiers: MedGen C0268140, MONDO:0010215, OMIM 278760.

Allele frequency attached by ClinVar (database versions not stated): gnomAD exomes 0.33697; 1000 Genomes Project 30x 0.34166; 1000 Genomes Project 0.34964; gnomAD 0.36422 and 0.36827; TOPMed 0.37145.
gnomAD v4.1: 82,679 of 232,326 alleles (36%); highest among the groups gnomAD compares: African/African-American, 44%; 15,111 homozygotes.

Submissions (2):

Illumina Laboratory Services, Illumina
Classification: Benign for Xeroderma pigmentosum, group F. Last evaluated: 2018-01-12. Review status: criteria provided, single submitter. Criteria: ICSL Variant Classification Criteria 13 December 2019. Collection method: clinical testing. Allele origin: germline.
Comment: This variant was observed in the ICSL laboratory as part of a predisposition screen in an ostensibly healthy population. It had not been previously curated by ICSL or reported in the Human Gene Mutation Database (HGMD: prior to June 1st, 2018), and was therefore a candidate for classification through an automated scoring system. Utilizing variant allele frequency, disease prevalence and penetrance estimates, and inheritance mode, an automated score was calculated to assess if this variant is too frequent to cause the disease. Based on the score and internal cut-off values, a variant classified as benign is not then subjected to further curation. The score for this variant resulted in a classification of benign for this disease.

Breakthrough Genomics
Classification: Benign. Review status: criteria provided, single submitter. Criteria: ACMG Guidelines, 2015. Collection method: not provided. Allele origin: germline. Inheritance: Autosomal recessive inheritance. Affected: yes.